The following is an entry in ClinVar:

ClinVar aggregate classification (germline): Conflicting classifications of pathogenicity. Review status: criteria provided, conflicting classifications (1 of 4 stars). 11 submissions from 11 submitters: Uncertain significance (8); Likely benign (2). 1 of the submissions does not count toward it. Last evaluated 2026-01-25.

Conditions:
MET-related disorder. Also called: MET-related condition.
Squamous cell lung carcinoma. Also called: Lung cancer, squamous cell, somatic; Squamous cell carcinoma of lung. Identifiers: MedGen C0149782, MONDO:0005097, HP:0030359.
Breast carcinoma. Also called: Carcinoma of breast. Identifiers: MedGen C0678222, MONDO:0004989, HP:0003002.
Renal cell carcinoma. Identifiers: Orphanet 217071, MedGen C0007134, MeSH D002292, MONDO:0005086, HP:0005584.
Autosomal recessive nonsyndromic hearing loss 97. Also called: Deafness, autosomal recessive 97. Identifiers: Orphanet 90636, MedGen C4084709, MONDO:0014739, OMIM 616705.
Hereditary cancer-predisposing syndrome. Also called: Neoplastic Syndromes, Hereditary; Tumor predisposition; Hereditary Cancer Syndrome; Hereditary neoplastic syndrome. Identifiers: Orphanet 140162, MedGen C0027672, MeSH D009386, MONDO:0015356.
Papillary renal cell carcinoma type 1 (RCCP1). Also called: RENAL CELL CARCINOMA, PAPILLARY, 1, SOMATIC; Renal adenocarcinoma; Renal cell carcinoma 1; Renal cell carcinoma, somatic. Identifiers: Orphanet 47044, MedGen C1336839, OMIM 605074, HP:0011797.

Allele frequency attached by ClinVar (database versions not stated): gnomAD exomes 0.00002 and 0.00004; ExAC 0.00007; gnomAD 0.00015; TOPMed 0.00015.
gnomAD v4.1: 47 of 1,613,872 alleles (0.0029%); highest among the groups gnomAD compares: African/African-American, 0.045%; no homozygotes.

Submissions (11):

Labcorp Genetics (formerly Invitae), Labcorp
Classification: Likely benign for Renal cell carcinoma. Last evaluated: 2026-01-25. Review status: criteria provided, single submitter. Criteria: Invitae Variant Classification Sherloc (09022015). Collection method: clinical testing. Allele origin: germline.

PreventionGenetics, part of Exact Sciences
Classification: Uncertain significance for MET-related condition. Last evaluated: 2025-07-14. Review status: criteria provided, single submitter. Criteria: ACMG Guidelines, 2015. Collection method: clinical testing. Allele origin: germline.
Comment: The MET c.1771C>T variant is predicted to result in the amino acid substitution p.Arg591Trp. This variant was reported in an individual with breast cancer (Table S3, Guindalini et al. 2022. PubMed ID: 35264596) and in an individual with non-small cell lung cancer (Table S2, Zheng et al. 2020. PubMed ID: 33255238). However, it has also been reported in a cohort healthy individuals (Table S1, Bodian et al. 2014. PubMed ID: 24728327). This variant is reported in 0.037% of alleles in individuals of African descent in gnomAD and has conflicting interpretations in ClinVar of likely benign and uncertain. At this time, the clinical significance of this variant is uncertain due to the absence of conclusive functional and genetic evidence.

Quest Diagnostics Nichols Institute San Juan Capistrano
Classification: Uncertain significance. Last evaluated: 2025-04-08. Review status: criteria provided, single submitter. Criteria: Quest Diagnostics criteria. Collection method: clinical testing. Allele origin: unknown.

GeneDx
Classification: Uncertain significance. Last evaluated: 2025-02-12. Review status: criteria provided, single submitter. Criteria: GeneDx Variant Classification Process June 2021. Collection method: clinical testing. Allele origin: germline. Affected: yes.
Comment: In silico analysis supports that this missense variant has a deleterious effect on protein structure/function; This variant is associated with the following publications: (PMID: 35264596, 33255238, 24728327)

Baylor Genetics
Classification: Uncertain significance for Autosomal recessive nonsyndromic hearing loss 97. Last evaluated: 2024-02-05. Review status: criteria provided, single submitter. Criteria: ACMG Guidelines, 2015. Collection method: clinical testing. Allele origin: unknown.

St. Jude Molecular Pathology, St. Jude Children's Research Hospital
Classification: Uncertain significance for Papillary renal cell carcinoma type 1. Last evaluated: 2023-09-08. Review status: criteria provided, single submitter. Criteria: St. Jude Assertion Criteria 2020. Collection method: clinical testing. Allele origin: germline.
Comment: The MET c.1771C>T (p.Arg591Trp)? missense change has a maximum subpopulation frequency of 0.037% in gnomAD v2.1.1. The in silico tool REVEL is inconclusive about a pathogenic or benign effect of this variant on protein function, and to our knowledge functional studies have not been performed. To our knowledge, this variant has not been reported in individuals with hereditary papillary renal cell carcinoma. In summary, the evidence currently available is insufficient to determine the clinical significance of this variant. It has therefore been classified as of uncertain significance.??

Ambry Genetics
Classification: Likely benign for Hereditary cancer-predisposing syndrome. Last evaluated: 2022-02-07. Review status: criteria provided, single submitter. Criteria: Ambry Variant Classification Scheme 2023. Collection method: clinical testing. Allele origin: germline.

Blueprint Genetics
Classification: Uncertain significance. Last evaluated: 2020-08-05. Review status: criteria provided, single submitter. Criteria: ACMG Guidelines, 2015. Collection method: clinical testing. Allele origin: germline.

Mendelics
Classification: Uncertain significance for Renal cell carcinoma, papillary, 1. Last evaluated: 2018-07-02. Review status: criteria provided, single submitter. Criteria: Mendelics Assertion Criteria 2017. Collection method: clinical testing. Allele origin: unknown.

Vantari Genetics
Classification: Uncertain significance for Hereditary cancer-predisposing syndrome. Last evaluated: 2016-02-04. Review status: criteria provided, single submitter. Criteria: ACMG Guidelines, 2015. Collection method: clinical testing. Allele origin: germline.

ITMI
No classification provided. Condition: AllHighlyPenetrant. Last evaluated: 2013-09-19. Review status: no classification provided. Collection method: reference population. Allele origin: germline. Not counted in ClinVar's aggregate classification.
Comment: Please see associated publication for description of ethnicities

Literature cited by the submitters: PubMed 24728327 (cited by Ambry Genetics and ITMI).

NM_000245.4(MET):c.1771C>T (p.Arg591Trp)

Gene: MET (MET proto-oncogene, receptor tyrosine kinase; plus strand). Cytogenetic location: 7q31.2.
Variant type: single nucleotide variant.
Coding change: c.1771C>T on transcript NM_000245.4 (MANE Select); coding-DNA position 1771, C replaced by T.
Protein change: p.Arg591Trp; replaces arginine 591 with tryptophan.
Molecular consequence: missense variant.
Genome position (GRCh38, 1-based): chr7:116,755,424, C>T. VCF-style: chr7-116755424-C-T. GRCh37 (hg19) VCF-style: chr7-116395478-C-T.
Other names: c.1771C>T, p.Arg591Trp (NM_001127500.3, NM_001324401.3); c.481C>T, p.Arg161Trp (NM_001324402.2); short protein forms R591W, R161W.
Identifiers: ClinVar variation 134654 (VCV000134654.32), dbSNP rs45602940, ClinGen allele CA332158.
Genomic context (GRCh38, chr7:116,755,424, plus strand): 5'-AATAGTGCACCCCTTGAAGGAGGGACAAGGCTGACCATATGTGGCTGGGACTTTGGATTT[C>T]GGAGGAATAATAAATTTGATTTAAAGAAAACTAGAGTTCTCCTTGGAAATGAGAGCTGCA-3'
Protein context (NP_000236.2, residues 581-601): LTICGWDFGF[Arg591Trp]RNNKFDLKKT